The following is an entry in ClinVar:

ClinVar aggregate classification (germline): Uncertain significance (1 of 4 stars; one submission).

Allele frequency attached by ClinVar (database versions not stated): ExAC 0.00007; TOPMed 0.00011; gnomAD 0.00013; gnomAD exomes 0.00021.
gnomAD v4.1: 319 of 1,607,546 alleles (0.02%); highest among the groups gnomAD compares: Non-Finnish European, 0.025%; no homozygotes.

Submission:

Labcorp Genetics (formerly Invitae), Labcorp
Classification: Uncertain significance. Last evaluated: 2024-08-06. Review status: criteria provided, single submitter. Criteria: Invitae Variant Classification Sherloc (09022015). Collection method: clinical testing. Allele origin: germline.
Comment: This sequence change replaces isoleucine, which is neutral and non-polar, with phenylalanine, which is neutral and non-polar, at codon 138 of the AGTR1 protein (p.Ile138Phe). This variant is present in population databases (rs201745152, gnomAD 0.03%). This variant has not been reported in the literature in individuals affected with AGTR1-related conditions. ClinVar contains an entry for this variant (Variation ID: 2140443). Experimental studies and prediction algorithms are not available or were not evaluated, and the functional significance of this variant is currently unknown. In summary, the available evidence is currently insufficient to determine the role of this variant in disease. Therefore, it has been classified as a Variant of Uncertain Significance.

NM_000685.5(AGTR1):c.307A>T (p.Ile103Phe)

Gene: AGTR1 (angiotensin II receptor type 1; plus strand). Cytogenetic location: 3q24.
Variant type: single nucleotide variant.
Coding change: c.307A>T on transcript NM_000685.5 (MANE Select); coding-DNA position 307, A replaced by T.
Protein change: p.Ile103Phe; replaces isoleucine 103 with phenylalanine.
Molecular consequence: missense variant.
Genome position (GRCh38, 1-based): chr3:148,741,342, A>T. VCF-style: chr3-148741342-A-T. GRCh37 (hg19) VCF-style: chr3-148459129-A-T.
Other names: c.307A>T, p.Ile103Phe (NM_001382736.1, NM_001382737.1, NM_004835.5 and 3 more transcripts); short protein forms I103F.
Identifiers: ClinVar variation 2140443 (VCV002140443.4), dbSNP rs201745152, ClinGen allele CA2657306.
Genomic context (GRCh38, chr3:148,741,342, plus strand): 5'-CTATGGGCTGTCTACACAGCTATGGAATACCGCTGGCCCTTTGGCAATTACCTATGTAAG[A>T]TTGCTTCAGCCAGCGTCAGTTTCAACCTGTACGCTAGTGTGTTTCTACTCACGTGTCTCA-3'
Protein context (NP_000676.1, residues 93-113): RWPFGNYLCK[Ile103Phe]ASASVSFNLY